The following is an entry in ClinVar:

NM_001365999.1(SZT2):c.1906G>A (p.Val636Ile)

Gene: SZT2 (SZT2 subunit of KICSTOR complex; plus strand). Cytogenetic location: 1p34.2.
Variant type: single nucleotide variant.
Coding change: c.1906G>A on transcript NM_001365999.1 (MANE Select); coding-DNA position 1906, G replaced by A.
Protein change: p.Val636Ile; replaces valine 636 with isoleucine.
Molecular consequence: missense variant.
Genome position (GRCh38, 1-based): chr1:43,422,616, G>A. VCF-style: chr1-43422616-G-A. GRCh37 (hg19) VCF-style: chr1-43888287-G-A.
Other names: c.1906G>A, p.Val636Ile (NM_015284.4); short protein forms V636I.
Identifiers: ClinVar variation 1440272 (VCV001440272.7), dbSNP rs1239298587, ClinGen allele CA340010366.

ClinVar aggregate classification (germline): Uncertain significance (1 of 4 stars; one submission).

Allele frequency attached by ClinVar (database versions not stated): gnomAD exomes below 0.00001 and 0.00001; gnomAD 0.00001; TOPMed 0.00001.
gnomAD v4.1: 19 of 1,595,292 alleles (0.0012%); highest among the groups gnomAD compares: Non-Finnish European, 0.0014%; no homozygotes.

Submission:

Labcorp Genetics (formerly Invitae), Labcorp
Classification: Uncertain significance. Last evaluated: 2022-08-09. Review status: criteria provided, single submitter. Criteria: Invitae Variant Classification Sherloc (09022015). Collection method: clinical testing. Allele origin: germline.
Comment: In summary, the available evidence is currently insufficient to determine the role of this variant in disease. Therefore, it has been classified as a Variant of Uncertain Significance. Algorithms developed to predict the effect of missense changes on protein structure and function are either unavailable or do not agree on the potential impact of this missense change (SIFT: "Deleterious"; PolyPhen-2: "Benign"; Align-GVGD: "Class C0"). ClinVar contains an entry for this variant (Variation ID: 1440272). This variant has not been reported in the literature in individuals affected with SZT2-related conditions. The frequency data for this variant in the population databases is considered unreliable, as metrics indicate poor data quality at this position in the gnomAD database. This sequence change replaces valine, which is neutral and non-polar, with isoleucine, which is neutral and non-polar, at codon 636 of the SZT2 protein (p.Val636Ile).